The following is an entry in ClinVar:

NM_000059.4(BRCA2):c.2345T>A (p.Leu782Gln)

Gene: BRCA2 (BRCA2 DNA repair associated; plus strand). Cytogenetic location: 13q13.1.
Variant type: single nucleotide variant.
Coding change: c.2345T>A on transcript NM_000059.4 (MANE Select); coding-DNA position 2345, T replaced by A.
Protein change: p.Leu782Gln; replaces leucine 782 with glutamine.
Molecular consequence: missense variant.
Genome position (GRCh38, 1-based): chr13:32,336,700, T>A. VCF-style: chr13-32336700-T-A. GRCh37 (hg19) VCF-style: chr13-32910837-T-A.
Other names: short protein forms L782Q.
Identifiers: ClinVar variation 234432 (VCV000234432.5), dbSNP rs876661019, ClinGen allele CA10577464.

ClinVar aggregate classification (germline): Conflicting classifications of pathogenicity. Review status: criteria provided, conflicting classifications (1 of 4 stars). 3 submissions from 3 submitters: Uncertain significance (2); Likely benign (1). Last evaluated 2024-03-14.

Conditions:
Hereditary cancer-predisposing syndrome. Also called: Hereditary neoplastic syndrome; Hereditary Cancer Syndrome; Neoplastic Syndromes, Hereditary; Tumor predisposition. Identifiers: Orphanet 140162, MedGen C0027672, MeSH D009386, MONDO:0015356.

Submissions (3):

Ambry Genetics
Classification: Uncertain significance for Hereditary cancer-predisposing syndrome. Last evaluated: 2024-03-14. Review status: criteria provided, single submitter. Criteria: Ambry Variant Classification Scheme 2023. Collection method: clinical testing. Allele origin: germline.
Comment: The p.L782Q variant (also known as c.2345T>A), located in coding exon 10 of the BRCA2 gene, results from a T to A substitution at nucleotide position 2345. The leucine at codon 782 is replaced by glutamine, an amino acid with dissimilar properties. This amino acid position is conserved. In addition, this alteration is predicted to be tolerated by in silico analysis. Based on the available evidence, the clinical significance of this alteration remains unclear.

University of Washington Department of Laboratory Medicine, University of Washington
Classification: Likely benign for Hereditary cancer-predisposing syndrome. Last evaluated: 2023-03-23. Review status: criteria provided, single submitter. Criteria: Dines et al. (Genet Med. 2020). Collection method: curation. Allele origin: germline.
Comment: Missense variant in a coldspot region where missense variants are very unlikely to be pathogenic (PMID:31911673).

BRCA2 exon 11 coldspot. Reclassification based on statistical prior probability.

GeneDx
Classification: Uncertain significance. Last evaluated: 2015-11-14. Review status: criteria provided, single submitter. Criteria: GeneDx Variant Classification (06012015). Collection method: clinical testing. Allele origin: germline. Affected: yes.
Comment: This variant is denoted BRCA2 c.2345T>A at the cDNA level, p.Leu782Gln (L782Q) at the protein level, and results in the change of a Leucine to a Glutamine (CTA>CAA). Using alternate nomenclature, this variant would be defined as BRCA2 2573T>A. This variant has not, to our knowledge, been published in the literature as pathogenic or benign. BRCA2 Leu782Gln was not observed in approximately 6,500 individuals of European and African American ancestry in the NHLBI Exome Sequencing Project, suggesting it is not a common benign variant in these populations. Since Leucine and Glutamine differ in polarity, charge, size or other properties, this is considered a non-conservative amino acid substitution. BRCA2 Leu782Gln occurs at a position that is not conserved and is located in the region of interaction with NPM1 (UniProt). In silico analyses predict that this variant is unlikely to alter protein structure or function. Based on currently available evidence, it is unclear whether BRCA2 Leu782Gln is a pathogenic or benign variant. We consider it to be a variant of uncertain significance.